The following is an entry in ClinVar:

ClinVar aggregate classification (germline): Uncertain significance (1 of 4 stars; one submission).

Conditions:
Coffin-Siris syndrome 8. Identifiers: MedGen C5193054, MONDO:0032702, OMIM 618362.

Submission:

Baylor Genetics
Classification: Uncertain significance for Coffin-Siris syndrome 8. Last evaluated: 2020-06-08. Review status: criteria provided, single submitter. Criteria: ACMG Guidelines, 2015. Collection method: clinical testing. Allele origin: unknown. Affected: yes.
Comment: This variant was determined to be of uncertain significance according to ACMG Guidelines, 2015 [PMID:25741868].

NM_001330288.2(SMARCC2):c.3224G>T (p.Gly1075Val)

Gene: SMARCC2 (SWI/SNF related, matrix associated, actin dependent regulator of chromatin subfamily c member 2; minus strand). Cytogenetic location: 12q13.2.
Variant type: single nucleotide variant.
Coding change: c.3224G>T on transcript NM_001330288.2 (MANE Select); coding-DNA position 3224, G replaced by T.
Protein change: p.Gly1075Val; replaces glycine 1075 with valine.
Molecular consequence: missense variant.
Genome position (GRCh38, 1-based): chr12:56,165,326, C>A on the plus strand (G>T on the coding strand, the complement: SMARCC2 is on the minus strand). VCF-style: chr12-56165326-C-A. GRCh37 (hg19) VCF-style: chr12-56559110-C-A.
Other names: c.3224G>T, p.Gly1075Val (NM_001130420.3, NM_139067.4); c.3131G>T, p.Gly1044Val (NM_003075.5); short protein forms G1075V, G1044V.
Identifiers: ClinVar variation 1029510 (VCV001029510.1), dbSNP rs1872567850, ClinGen allele CA385339328.
Genomic context (GRCh38, chr12:56,165,326, plus strand): 5'-ACATTCACCTGGATTCCTCTAGCCAACAAAAGTTCTGGAACATAACACTTACCATGGGGT[C>A]CAGGGGGGGGAACCCCTGGTGGGACTGCCCCAGGCTGGGGGGCTCCAGCTGGTTGCTGCT-3'
Protein context (NP_001317217.1, residues 1065-1085): GAVPPGVPPP[Gly1075Val]PHGPSPFPNQ